The following is an entry in ClinVar:

NM_006767.4(LZTR1):c.458_459del (p.Leu152_Phe153insTer)

Gene: LZTR1 (leucine zipper like post translational regulator 1; plus strand). Cytogenetic location: 22q11.21.
Variant type: Deletion.
Coding change: c.458_459del on transcript NM_006767.4 (MANE Select); coding-DNA positions 458 to 459, 2 bases deleted (TT; older notation c.458_459delTT).
Protein change: p.Leu152_Phe153insTer.
Molecular consequence: nonsense.
Genome position (GRCh38, 1-based): chr22:20,988,067-20,988,068, TT deleted; deleting any 2 consecutive bases within chr22:20,988,066-20,988,068 gives the same sequence; the c. name uses the placement nearest the transcript's 3' end. VCF-style (leftmost placement, unchanged base first): chr22-20988065-CTT-C. GRCh37 (hg19) VCF-style: chr22-21342354-CTT-C.
Other names: c.458_459delTT (NM_006767.3).
Identifiers: ClinVar variation 835301 (VCV000835301.6), dbSNP rs1924461126, ClinGen allele CA916083786.
Genomic context (GRCh38, chr22:20,988,065, plus strand): 5'-CTCAGGGGGTTACACTGGGGACATTTATTCCAATTCTAACTTGAAGAATAAAAACGACCT[CTT>C]TGAATACAAGTTTGCAACTGGCCAGTGGACGGAGTGGAAAATTGAAGGACGGTGAGAAAC-3'

ClinVar aggregate classification (germline): Pathogenic. Review status: criteria provided, multiple submitters, no conflicts (2 of 4 stars). 2 submissions from 2 submitters: Pathogenic (2). Last evaluated 2025-07-30.

Conditions:
Cardiovascular phenotype. Identifiers: MedGen CN230736.
Hereditary cancer-predisposing syndrome. Also called: Hereditary neoplastic syndrome; Neoplastic Syndromes, Hereditary; Tumor predisposition; Hereditary Cancer Syndrome. Identifiers: Orphanet 140162, MedGen C0027672, MeSH D009386, MONDO:0015356.

Submissions (2):

Labcorp Genetics (formerly Invitae), Labcorp
Classification: Pathogenic. Last evaluated: 2025-07-30. Review status: criteria provided, single submitter. Criteria: Invitae Variant Classification Sherloc (09022015). Collection method: clinical testing. Allele origin: germline.
Comment: This sequence change creates a premature translational stop signal (p.Phe153*) in the LZTR1 gene. It is expected to result in an absent or disrupted protein product. Loss-of-function variants in LZTR1 are known to be pathogenic (PMID: 24362817, 25335493, 25480913, 25795793, 29469822, 30368668, 30442762, 30442766, 30481304, 30859559). This variant is not present in population databases (gnomAD no frequency). This variant has not been reported in the literature in individuals affected with LZTR1-related conditions. ClinVar contains an entry for this variant (Variation ID: 835301). For these reasons, this variant has been classified as Pathogenic.

Ambry Genetics
Classification: Pathogenic for Cardiovascular phenotype; Hereditary cancer-predisposing syndrome. Last evaluated: 2024-10-29. Review status: criteria provided, single submitter. Criteria: Ambry Variant Classification Scheme 2023. Collection method: clinical testing. Allele origin: germline.
Comment: The c.458_459delTT pathogenic mutation, located in coding exon 5 of the LZTR1 gene, results from a deletion of two nucleotides at nucleotide positions 458 to 459, causing a translational frameshift with a predicted alternate stop codon (p.F153*). This alteration is expected to result in loss of function by premature protein truncation or nonsense-mediated mRNA decay. Loss-of-function variants in LZTR1 are related to an increased risk for schwannomas and autosomal recessive Noonan syndrome; however, such associations with autosomal dominant Noonan syndrome have not been observed (Piotrowski A et al. Nat Genet. 2014 Feb;46:182-7; Yamamoto GL et al. J Med Genet. 2015 Jun;52:413-21; Johnston JJ et al. Genet Med. 2018 10;20:1175-1185). Based on the supporting evidence, this variant is pathogenic for an increased risk of LZTR1-related schwannomatosis (SWN) and would be expected to cause autosomal recessive Noonan syndrome when present along with a second pathogenic or likely pathogenic variant on the other allele; however, the association of this alteration with autosomal dominant Noonan syndrome is unlikely.

Literature cited by the submitters: PubMed 24362817 (cited by Labcorp Genetics (formerly Invitae), Labcorp); PubMed 25335493 (cited by Labcorp Genetics (formerly Invitae), Labcorp); PubMed 25480913 (cited by Labcorp Genetics (formerly Invitae), Labcorp); PubMed 25795793 (cited by Labcorp Genetics (formerly Invitae), Labcorp); PubMed 29469822 (cited by Labcorp Genetics (formerly Invitae), Labcorp); PubMed 30368668 (cited by Labcorp Genetics (formerly Invitae), Labcorp); PubMed 30442762 (cited by Labcorp Genetics (formerly Invitae), Labcorp); PubMed 30442766 (cited by Labcorp Genetics (formerly Invitae), Labcorp); PubMed 30481304 (cited by Labcorp Genetics (formerly Invitae), Labcorp); PubMed 30859559 (cited by Labcorp Genetics (formerly Invitae), Labcorp).